The following is an entry in ClinVar:

ClinVar aggregate classification (germline): Uncertain significance. Review status: criteria provided, multiple submitters, no conflicts (2 of 4 stars). 2 submissions from 2 submitters: Uncertain significance (2). Last evaluated 2023-10-29.

Conditions:
Primary ciliary dyskinesia. Also called: Ciliary dyskinesia. Identifiers: Orphanet 244, MedGen C0008780, MONDO:0016575, HP:0012265.

Allele frequency attached by ClinVar (database versions not stated): gnomAD exomes 0.00001 and 0.00003; ExAC 0.00002; 1000 Genomes Project 30x 0.00016; 1000 Genomes Project 0.00020; gnomAD 0.00024; TOPMed 0.00043.
gnomAD v4.1: 66 of 1,610,126 alleles (0.0041%); highest among the groups gnomAD compares: Admixed American, 0.089%; no homozygotes.

Submissions (2):

GeneDx
Classification: Uncertain significance. Last evaluated: 2023-10-29. Review status: criteria provided, single submitter. Criteria: GeneDx Variant Classification Process June 2021. Collection method: clinical testing. Allele origin: germline. Affected: yes.
Comment: Identified in the single heterozygous state in a patient with primary ciliary dyskinesia in the published literature (PMID: 35626283); In silico analysis supports that this missense variant does not alter protein structure/function; This variant is associated with the following publications: (PMID: 35626283)

Labcorp Genetics (formerly Invitae), Labcorp
Classification: Uncertain significance for Primary ciliary dyskinesia. Last evaluated: 2022-02-11. Review status: criteria provided, single submitter. Criteria: Invitae Variant Classification Sherloc (09022015). Collection method: clinical testing. Allele origin: germline.
Comment: This sequence change replaces proline, which is neutral and non-polar, with serine, which is neutral and polar, at codon 225 of the RSPH1 protein (p.Pro225Ser). This variant is present in population databases (rs562591045, gnomAD 0.02%). This variant has not been reported in the literature in individuals affected with RSPH1-related conditions. ClinVar contains an entry for this variant (Variation ID: 408129). Algorithms developed to predict the effect of missense changes on protein structure and function output the following: SIFT: "Tolerated"; PolyPhen-2: "Benign"; Align-GVGD: "Class C0". The serine amino acid residue is found in multiple mammalian species, which suggests that this missense change does not adversely affect protein function. In summary, the available evidence is currently insufficient to determine the role of this variant in disease. Therefore, it has been classified as a Variant of Uncertain Significance.

NM_080860.4(RSPH1):c.673C>T (p.Pro225Ser)

Gene: RSPH1 (radial spoke head component 1; minus strand). Cytogenetic location: 21q22.3.
Variant type: single nucleotide variant.
Coding change: c.673C>T on transcript NM_080860.4 (MANE Select); coding-DNA position 673, C replaced by T.
Protein change: p.Pro225Ser; replaces proline 225 with serine.
Molecular consequence: missense variant.
Genome position (GRCh38, 1-based): chr21:42,477,345, G>A on the plus strand (C>T on the coding strand, the complement: RSPH1 is on the minus strand). VCF-style: chr21-42477345-G-A. GRCh37 (hg19) VCF-style: chr21-43897455-G-A.
Other names: c.559C>T, p.Pro187Ser (NM_001286506.2); short protein forms P225S, P187S.
Identifiers: ClinVar variation 408129 (VCV000408129.9), dbSNP rs562591045, ClinGen allele CA10043840.